The following is an entry in ClinVar:

ClinVar aggregate classification (germline): Uncertain significance (1 of 4 stars; one submission).

Submission:

Labcorp Genetics (formerly Invitae), Labcorp
Classification: Uncertain significance. Last evaluated: 2022-08-02. Review status: criteria provided, single submitter. Criteria: Invitae Variant Classification Sherloc (09022015). Collection method: clinical testing. Allele origin: germline.
Comment: Algorithms developed to predict the effect of missense changes on protein structure and function are either unavailable or do not agree on the potential impact of this missense change (SIFT: "Deleterious"; PolyPhen-2: "Benign"; Align-GVGD: "Class C0"). In summary, the available evidence is currently insufficient to determine the role of this variant in disease. Therefore, it has been classified as a Variant of Uncertain Significance. This variant has not been reported in the literature in individuals affected with AGAP1-related conditions. This sequence change replaces tyrosine, which is neutral and polar, with cysteine, which is neutral and slightly polar, at codon 96 of the AGAP1 protein (p.Tyr96Cys). This variant is not present in population databases (gnomAD no frequency).

NM_001037131.3(AGAP1):c.287A>G (p.Tyr96Cys)

Gene: AGAP1 (ArfGAP with GTPase domain, ankyrin repeat and PH domain 1; plus strand). Cytogenetic location: 2q37.2.
Variant type: single nucleotide variant.
Coding change: c.287A>G on transcript NM_001037131.3 (MANE Select); coding-DNA position 287, A replaced by G.
Protein change: p.Tyr96Cys; replaces tyrosine 96 with cysteine.
Molecular consequence: missense variant.
Genome position (GRCh38, 1-based): chr2:235,717,621, A>G. VCF-style: chr2-235717621-A-G. GRCh37 (hg19) VCF-style: chr2-236626265-A-G.
Other names: c.287A>G, p.Tyr96Cys (NM_001244888.2, NM_001412122.1, NM_014914.5); short protein forms Y96C.
Identifiers: ClinVar variation 2018809 (VCV002018809.4), dbSNP rs1261973395, ClinGen allele CA351170082.